The following is an entry in ClinVar:

ClinVar aggregate classification (germline): Uncertain significance (1 of 4 stars; one submission).

Allele frequency attached by ClinVar (database versions not stated): gnomAD exomes 0.00001.
gnomAD v4.1: 7 of 1,609,312 alleles (0.00043%); highest among the groups gnomAD compares: Non-Finnish European, 0.00059%; no homozygotes.

Submission:

Ambry Genetics
Classification: Uncertain significance. Last evaluated: 2023-10-12. Review status: criteria provided, single submitter. Criteria: Ambry Variant Classification Scheme 2023. Collection method: clinical testing. Allele origin: germline.
Comment: The p.S1950A variant (also known as c.5848T>G), located in coding exon 18 of the POLQ gene, results from a T to G substitution at nucleotide position 5848. The serine at codon 1950 is replaced by alanine, an amino acid with similar properties. This amino acid position is conserved. In addition, this alteration is predicted to be tolerated by in silico analysis. Since supporting evidence is limited at this time, the clinical significance of this alteration remains unclear.

NM_199420.4(POLQ):c.5848T>G (p.Ser1950Ala)

Gene: POLQ (DNA polymerase theta; minus strand). Cytogenetic location: 3q13.33.
Variant type: single nucleotide variant.
Coding change: c.5848T>G on transcript NM_199420.4 (MANE Select); coding-DNA position 5848, T replaced by G.
Protein change: p.Ser1950Ala; replaces serine 1950 with alanine.
Molecular consequence: missense variant.
Genome position (GRCh38, 1-based): chr3:121,483,508, A>C on the plus strand (T>G on the coding strand, the complement: POLQ is on the minus strand). VCF-style: chr3-121483508-A-C. GRCh37 (hg19) VCF-style: chr3-121202355-A-C.
Other names: short protein forms S1950A.
Identifiers: ClinVar variation 1750046 (VCV001750046.2), dbSNP rs1244067562, ClinGen allele CA354088659.
Genomic context (GRCh38, chr3:121,483,508, plus strand): 5'-TCTGGATGAAGTCATAGATGACAACAGAACATTCTTTATCAGATTCCTTTCGCAAGCAAG[A>C]TTGAAGGTACCACATCCTGTCTTTCAAAGTCAGGCTTGGATCTAAAGAAGGTGGAACCAA-3'
Protein context (NP_955452.3, residues 1940-1960): TLKDRMWYLQ[Ser1950Ala]CLRKESDKEC